The following is an entry in ClinVar:

ClinVar aggregate classification (germline): Likely pathogenic (1 of 4 stars; one submission).

Conditions:
Hereditary cancer-predisposing syndrome. Also called: Neoplastic Syndromes, Hereditary; Tumor predisposition; Hereditary neoplastic syndrome; Hereditary Cancer Syndrome. Identifiers: Orphanet 140162, MedGen C0027672, MeSH D009386, MONDO:0015356.
Cardiovascular phenotype. Identifiers: MedGen CN230736.

Submission:

Ambry Genetics
Classification: Likely pathogenic for Cardiovascular phenotype; Hereditary cancer-predisposing syndrome. Last evaluated: 2023-04-20. Review status: criteria provided, single submitter. Criteria: Ambry Variant Classification Scheme 2023. Collection method: clinical testing. Allele origin: germline.
Comment: The c.1527+4dupA intronic variant, results from a duplication of two nucleotides at nucleotide position 1527 after intron 13 of the NF1 gene. This nucleotide position is highly conserved in available vertebrate species. In silico splice site analysis predicts that this alteration will weaken the native splice donor site. RNA studies have demonstrated that this alteration results in abnormal splicing in the set of samples tested (Ambry internal data). This variant is considered to be rare based on population cohorts in the Genome Aggregation Database (gnomAD). Based on the majority of available evidence to date, this variant is likely to be pathogenic.

NM_001042492.3(NF1):c.1527+4dup

Gene: NF1 (neurofibromin 1; plus strand). Cytogenetic location: 17q11.2.
Variant type: Duplication.
Coding change: c.1527+4dup on transcript NM_001042492.3 (MANE Select); 4 bases into the intron after coding-DNA position 1527, one base duplicated (A; older notation c.1527+4dupA).
Molecular consequence: intron variant.
Genome position (GRCh38, 1-based): chr17:31,214,589, A duplicated; the last of 2 consecutive A bases (chr17:31,214,588-31,214,589); duplicating either gives the same sequence. VCF-style (leftmost placement, unchanged base first): chr17-31214587-T-TA. GRCh37 (hg19) VCF-style: chr17-29541605-T-TA.
Other names: c.1527+4dupA (NM_000267.3); c.1527+4dup (NM_000267.4, NM_001128147.3).
Identifiers: ClinVar variation 3238353 (VCV003238353.1), dbSNP rs2544830011.
Genomic context (GRCh38, chr17:31,214,587, plus strand): 5'-AGTATCTTCTCTTGTCCATGGTGAAACTAATTCATGCAGATCCAAAGCTCTTGCTTTGTG[T>TA]AAGTATTTTTTTATGAAATGTCTCAAAATTATCACACTAAGTTAATTGGGTTTAGCTGAA-3'